The following is an entry in ClinVar:

NM_004006.3(DMD):c.8548-250A>G

Gene: DMD (dystrophin; minus strand). Cytogenetic location: Xp21.2.
Variant type: single nucleotide variant.
Coding change: c.8548-250A>G on transcript NM_004006.3 (MANE Select); 250 bases into the intron before coding-DNA position 8548, A replaced by G.
Molecular consequence: intron variant.
Genome position (GRCh38, 1-based): chrX:31,479,353, T>C on the plus strand (A>G on the coding strand, the complement: DMD is on the minus strand). VCF-style: chrX-31479353-T-C. GRCh37 (hg19) VCF-style: chrX-31497470-T-C.
Other names: c.8524-250A>G (NM_000109.4); c.4525-250A>G (NM_004011.4); c.4516-250A>G (NM_004012.4); c.1168-250A>G (NM_004023.3, NM_004020.4, NM_004022.3 and 2 more transcripts); c.361-250A>G (NM_004014.3); c.8536-250A>G (NM_004009.3); c.8179-250A>G (NM_004010.3).
Identifiers: ClinVar variation 679288 (VCV000679288.1), dbSNP rs72466572, ClinGen allele CA328434670.

ClinVar aggregate classification (germline): Benign (1 of 4 stars; one submission).

Allele frequency attached by ClinVar (database versions not stated): gnomAD 0.06939 and 0.07227; TOPMed 0.07930; 1000 Genomes Project 30x 0.09448; 1000 Genomes Project 0.09536.
gnomAD v4.1: 7,682 of 111,583 alleles (6.9%); highest among the groups gnomAD compares: African/African-American, 20%; 491 homozygotes.

Submission:

GeneDx
Classification: Benign. Last evaluated: 2018-06-18. Review status: criteria provided, single submitter. Criteria: GeneDx Variant Classification (06012015). Collection method: clinical testing. Allele origin: germline. Affected: yes.
Comment: This variant is considered likely benign or benign based on one or more of the following criteria: it is a conservative change, it occurs at a poorly conserved position in the protein, it is predicted to be benign by multiple in silico algorithms, and/or has population frequency not consistent with disease.